The following is an entry in ClinVar:

ClinVar aggregate classification (germline): Likely pathogenic. Review status: reviewed by expert panel (3 of 4 stars). 7 submissions from 7 submitters: Likely pathogenic (1). 6 of the submissions do not count toward it. Last evaluated 2021-03-22.

Conditions:
Cardiomyopathy (CMYO). Also called: Cardiomyopathies. Identifiers: Orphanet 167848, MedGen C0878544, MONDO:0004994, HP:0001638. Inheritance: Various modes of inheritance.
Hypertrophic cardiomyopathy 1 (CMH1). Also called: MYH7-Related Familial Hypertrophic Cardiomyopathy; Familial hypertrophic cardiomyopathy 1. Identifiers: MedGen C3495498, MONDO:0008647, OMIM 192600.
Primary dilated cardiomyopathy (DCM). Also called: Dilated Cardiomyopathy. Identifiers: Orphanet 217604, MedGen C0007193, MeSH D002311, MONDO:0005021, HP:0001644. Inheritance: Various modes of inheritance.
Hypertrophic cardiomyopathy. Also called: HYPERTROPHIC MYOCARDIOPATHY. Identifiers: Orphanet 217569, MedGen C0007194, MeSH D002312, MONDO:0005045, HP:0001639.

Allele frequency attached by ClinVar (database versions not stated): gnomAD exomes below 0.00001.
gnomAD v4.1: 1 of 1,614,264 alleles (0.000062%); highest among the groups gnomAD compares: Non-Finnish European, 0.000085%; no homozygotes.

Submissions (7):

ClinGen Cardiomyopathy Variant Curation Expert Panel
Classification: Likely pathogenic for Hypertrophic cardiomyopathy. Last evaluated: 2021-03-22. Review status: reviewed by expert panel. Criteria: ClinGen CMP ACMG Specifications v1. Collection method: curation. Allele origin: germline. Inheritance: Autosomal dominant inheritance.
Comment: The c.2845G>A (p.Glu949Lys) variant in MYH7 has been reported in 12 individuals with HCM (PS4_Moderate; Watkins 1992 PMID:1552912; Walsh 2017 PMID:27532257; Zigova 2018 PMID:28815794; CHEO pers comm.). This variant segregated with disease in 1 affected relative with HCM (Watkins 1992 PMID:1552912); however, this data is currently insufficient to establish co-segregation with disease and apply PP1. Additionally, this variant has been reported as a de novo occurence in 1 child with RCM (PM6; Kapoor 2017). This variant was absent from large population studies (PM2). Computational prediction tools and conservation analysis suggest that this variant may impact the protein (PP3). In summary, this variant meets criteria to be classified as likely pathogenic for hypertrophic cardiomyopathy in an autosomal dominant manner. MYH7-specific ACMG/AMP criteria applied (Kelly 2018 PMID:29300372): PS4_Moderate; PM6; PM2; PP3

Labcorp Genetics (formerly Invitae), Labcorp
Classification: Pathogenic for Hypertrophic cardiomyopathy. Last evaluated: 2025-12-15. Review status: criteria provided, single submitter. Criteria: Invitae Variant Classification Sherloc (09022015). Collection method: clinical testing. Allele origin: germline. Not counted in ClinVar's aggregate classification.
Comment: This sequence change replaces glutamic acid, which is acidic and polar, with lysine, which is basic and polar, at codon 949 of the MYH7 protein (p.Glu949Lys). This variant is not present in population databases (gnomAD no frequency). This missense change has been observed in individual(s) with hypertrophic cardiomyopathy and/or restrictive cardiomyopathy (PMID: 1552912, 27532257, 28815794). In at least one individual the variant was observed to be de novo. ClinVar contains an entry for this variant (Variation ID: 14093). Invitae Evidence Modeling of protein sequence and biophysical properties (such as structural, functional, and spatial information, amino acid conservation, physicochemical variation, residue mobility, and thermodynamic stability) indicates that this missense variant is expected to disrupt MYH7 protein function with a positive predictive value of 95%. For these reasons, this variant has been classified as Pathogenic.

Color Diagnostics, LLC DBA Color Health
Classification: Likely pathogenic for Cardiomyopathy. Last evaluated: 2024-02-13. Review status: criteria provided, single submitter. Criteria: ACMG Guidelines, 2015. Collection method: clinical testing. Allele origin: germline. Not counted in ClinVar's aggregate classification.
Comment: This missense variant replaces glutamic acid with lysine at codon 949 in the neck and hinge domain of the MYH7 protein. Computational prediction tools indicate that this variant has a deleterious impact on protein structure and function. To our knowledge, functional studies have not been reported for this variant. This variant has been reported in over 10 unrelated individuals affected with hypertrophic cardiomyopathy (PMID: 1552912, 25611685, 27532257, 28815794, 33495597), and in one individual affected with restrictive cardiomyopathy (doi:10.1186/1755-8166-7-S1-P34 Kapoor 2014). In one family, this variant has been reported in two affected individuals (PMID: 1552912). This variant has not been identified in the general population by the Genome Aggregation Database (gnomAD). Based on the available evidence, this variant is classified as Likely Pathogenic.

All of Us Research Program, National Institutes of Health
Classification: Likely pathogenic for Primary dilated cardiomyopathy. Last evaluated: 2023-12-11. Review status: criteria provided, single submitter. Criteria: ACMG Guidelines, 2015. Collection method: clinical testing. Allele origin: germline. Inheritance: Autosomal dominant inheritance. Observed: 1 variant allele, 1 heterozygote. Not counted in ClinVar's aggregate classification.
Comment: The c.2845G>A (p.Glu949Lys) variant in MYH7 gene, that encodes for myosin heavy chain 7, has been identified in at least twelve individuals affected with Hypertrophic Cardiomyopathy (HCM) (ClinGen Expert Panel review [ClinVar ID: 14093], PMID:1552912, 27532257, 28815794, 1552912). This variant has been reported as de novo status in a proband with restrictive cardiomyopathy (ClinVar ID: 14093, PMID: NA). In-silico computational prediction tools suggest that this variant may have deleterious effect on the protein function (REVEL score: 0.909). This variant is found to be absent in the general population database (gnomAD) and interpreted as likely pathogenic by the ClinGen Cardiomyopathy Variant Curation Expert Panel (ClinVar ID: 14093). Therefore, the c.2845G>A (p.Glu949Lys) variant in the MYH7 gene is classified as likely pathogenic.

This study involves interpretation of variants in research participants for the purpose of population health screening. Participant phenotype was not available at the time of variant classification. Additional details can be found in publication PMID: 35346344, PMCID: PMC8962531

Laboratory for Molecular Medicine, Mass General Brigham Personalized Medicine
Classification: Likely pathogenic for Hypertrophic cardiomyopathy. Last evaluated: 2022-07-28. Review status: criteria provided, single submitter. Criteria: ACMG Guidelines, 2015. Collection method: clinical testing. Allele origin: germline. Inheritance: Autosomal dominant inheritance. Not counted in ClinVar's aggregate classification.
Comment: The p.Glu949Lys variant in MYH7 has been reported in >11 individuals with hypertrophic cardiomyopathy (HCM) and as a de novo occurrence in 1 individual with restrictive cardiomyopathy (RCM) and segregated with disease in 1 affected individual from 1 family (Watkins 1992 PMID: 1552912, Kapoor 2017, Zigova 2017 PMID: 28815794, Walsh 2017 PMID: 27532257/LMM data). It was absent from large population studies. Computational prediction tools and conservation analyses suggest that this variant may impact the protein. Additionally, this variant was classified as Likely Pathogenic on March 22, 2021 by the ClinGen-approved Cardiomyopathy Variant Curation expert panel (Variation ID 14093). In summary, although additional studies are required to fully establish its clinical significance, this variant meets criteria to be classified as likely pathogenic for autosomal dominant HCM. ACMG/AMP Criteria applied: PS4_Moderate, PM6, PM2_Supporting, PP3.

OMIM
Classification: Pathogenic for CARDIOMYOPATHY, FAMILIAL HYPERTROPHIC, 1. Last evaluated: 1992-04-23. Review status: no assertion criteria provided. Collection method: literature only. Allele origin: germline. Not counted in ClinVar's aggregate classification.

CHEO Genetics Diagnostic Laboratory, Children's Hospital of Eastern Ontario
Classification: Uncertain significance for Cardiomyopathy. Last evaluated: 2016-04-14. Review status: flagged submission. Criteria: ACMG Guidelines, 2015. Collection method: clinical testing. Allele origin: germline. Study: Canadian Open Genetics Repository. Not counted in ClinVar's aggregate classification.
ClinVar note: Reason: Conflicts with expert reviewed submission without evidence to support different classification

Literature cited by the submitters: PubMed 1552912 (cited by 5 submitters); PubMed 27532257 (cited by 4 submitters); PubMed 28815794 (cited by 4 submitters); PubMed 114592 (cited by Labcorp Genetics (formerly Invitae), Labcorp); PubMed 1 (cited by Labcorp Genetics (formerly Invitae), Labcorp); PubMed 33143 (cited by Labcorp Genetics (formerly Invitae), Labcorp); PubMed 8313497 (cited by Labcorp Genetics (formerly Invitae), Labcorp); PubMed 230534 (cited by Labcorp Genetics (formerly Invitae), Labcorp); PubMed 25611685 (cited by Color Diagnostics, LLC DBA Color Health); PubMed 33495597 (cited by Color Diagnostics, LLC DBA Color Health); PubMed 7731997 (cited by Laboratory for Molecular Medicine, Mass General Brigham Personalized Medicine).

NM_000257.4(MYH7):c.2845G>A (p.Glu949Lys)

Gene: MYH7 (myosin heavy chain 7; minus strand). Cytogenetic location: 14q11.2.
Variant type: single nucleotide variant.
Coding change: c.2845G>A on transcript NM_000257.4 (MANE Select); coding-DNA position 2845, G replaced by A.
Protein change: p.Glu949Lys; replaces glutamic acid 949 with lysine.
Molecular consequence: missense variant.
Genome position (GRCh38, 1-based): chr14:23,423,984, C>T on the plus strand (G>A on the coding strand, the complement: MYH7 is on the minus strand). VCF-style: chr14-23423984-C-T. GRCh37 (hg19) VCF-style: chr14-23893193-C-T.
Other names: NM_000257.4(MYH7):c.2845G>A; short protein forms E949K.
Identifiers: ClinVar variation 14093 (VCV000014093.12), dbSNP rs121913629, ClinGen allele CA013144.